The following continues an entry in ClinVar:

NM_007294.4(BRCA1):c.4183C>T (p.Gln1395Ter)

Gene: BRCA1. ClinVar aggregate classification (germline): Pathogenic. Pathogenic (1).

Submissions 27 to 30 of 30:

Breast Cancer Information Core (BIC) (BRCA1)
Classification: Pathogenic for Breast-ovarian cancer, familial 1. Last evaluated: 2002-05-29. Review status: no assertion criteria provided. Collection method: clinical testing. Allele origin: germline. Affected: yes. Observed: 570 variant alleles. Not counted in ClinVar's aggregate classification.

Clinical Genetics Laboratory, Department of Pathology, Netherlands Cancer Institute
Classification: Pathogenic. Review status: no assertion criteria provided. Collection method: clinical testing. Allele origin: germline. Affected: yes. Study: VKGL Data-share Consensus. Not counted in ClinVar's aggregate classification.

Department of Pathology and Laboratory Medicine, Sinai Health System
Classification: Pathogenic for Malignant tumor of breast. Review status: no assertion criteria provided. Collection method: clinical testing. Allele origin: unknown. Affected: yes. Observed: 2 variant alleles. Study: The Canadian Open Genetics Repository (COGR). Not counted in ClinVar's aggregate classification.
Comment: The p.Gln1395X variant has been previously reported in the literature in 2 of 512 proband chromosomes from individuals with hereditary breast and ovarian cancer and absent from 100 control chromosomes (Langston 1996, Rashid 2006). In addition, this variant is reported in the BIC database 28x as clinically important and the UMD database 35x as causal. This variant leads to a premature stop codon at position 1395, which is predicted to lead to a truncated or absent protein product and loss of function. Loss of function variants of the BRCA1 gene are an established mechanism of hereditary breast and ovarian cancer. In summary, based on the above information, this variant is classified as pathogenic.

Diagnostic Laboratory, Department of Genetics, University Medical Center Groningen
Classification: Pathogenic for Breast-ovarian cancer, familial, susceptibility to, 1. Review status: no assertion criteria provided. Collection method: clinical testing. Allele origin: germline. Affected: yes. Study: VKGL Data-share Consensus. Not counted in ClinVar's aggregate classification.

Literature cited by the submitters: PubMed 20104584 (cited by Labcorp Genetics (formerly Invitae), Labcorp); PubMed 8531967 (cited by 7 submitters); PubMed 22006311 (cited by 5 submitters); PubMed 24504028 (cited by 4 submitters); PubMed 26681312 (cited by 4 submitters); PubMed 27553291 (cited by 5 submitters); PubMed 26014432 (cited by 5 submitters); PubMed 16760289 (cited by Color Diagnostics, LLC DBA Color Health); PubMed 16847550 (cited by 4 submitters); PubMed 22711857 (cited by Color Diagnostics, LLC DBA Color Health); PubMed 24728189 (cited by 4 submitters); PubMed 29470806 (cited by 3 submitters); PubMed 30322717 (cited by 4 submitters); PubMed 31090900 (cited by 3 submitters); PubMed 31853058 (cited by Color Diagnostics, LLC DBA Color Health); PubMed 16998791 (cited by 3 submitters); PubMed 17661172 (cited by All of Us Research Program, National Institutes of Health); PubMed 21989022 (cited by All of Us Research Program, National Institutes of Health); PubMed 22762150 (cited by All of Us Research Program, National Institutes of Health); PubMed 27425403 (cited by All of Us Research Program, National Institutes of Health and Quest Diagnostics Nichols Institute San Juan Capistrano); PubMed 29161300 (cited by All of Us Research Program, National Institutes of Health and Quest Diagnostics Nichols Institute San Juan Capistrano); PubMed 29446198 (cited by 4 submitters); PubMed 29907814 (cited by 3 submitters); PubMed 11802209 (cited by Women's Health and Genetics/Laboratory Corporation of America, LabCorp and Quest Diagnostics Nichols Institute San Juan Capistrano); PubMed 21559243 (cited by Women's Health and Genetics/Laboratory Corporation of America, LabCorp and Quest Diagnostics Nichols Institute San Juan Capistrano); PubMed 31528241 (cited by Quest Diagnostics Nichols Institute San Juan Capistrano); PubMed 23772696 (cited by Quest Diagnostics Nichols Institute San Juan Capistrano and Counsyl); PubMed 16280041 (cited by Quest Diagnostics Nichols Institute San Juan Capistrano and Counsyl); PubMed 26295337 (cited by Quest Diagnostics Nichols Institute San Juan Capistrano); PubMed 15340362 (cited by Diagnostics Centre, Carl Von Ossietzky University Oldenburg); PubMed 2010458 (cited by Diagnostics Centre, Carl Von Ossietzky University Oldenburg); Wagner et al. Int. J. Cancer, in press (cited by Breast Cancer Information Core (BIC) (BRCA1)).